The following is an entry in ClinVar:

ClinVar aggregate classification (germline): Uncertain significance (1 of 4 stars; one submission).

Submission:

GeneDx
Classification: Uncertain significance. Last evaluated: 2019-12-04. Review status: criteria provided, single submitter. Criteria: GeneDx Variant Classification Process June 2021. Collection method: clinical testing. Allele origin: germline. Affected: yes.
Comment: Not observed in large population cohorts (Lek et al., 2016); In silico analysis, which includes protein predictors and evolutionary conservation, supports a deleterious effect; Has not been previously published as pathogenic or benign to our knowledge

NM_000478.6(ALPL):c.1094T>G (p.Leu365Trp)

Gene: ALPL (alkaline phosphatase, biomineralization associated; plus strand). Cytogenetic location: 1p36.12.
Variant type: single nucleotide variant.
Coding change: c.1094T>G on transcript NM_000478.6 (MANE Select); coding-DNA position 1094, T replaced by G.
Protein change: p.Leu365Trp; replaces leucine 365 with tryptophan.
Molecular consequence: missense variant.
Genome position (GRCh38, 1-based): chr1:21,575,829, T>G. VCF-style: chr1-21575829-T-G. GRCh37 (hg19) VCF-style: chr1-21902322-T-G.
Other names: c.929T>G, p.Leu310Trp (NM_001127501.4); c.863T>G, p.Leu288Trp (NM_001177520.3); c.1094T>G, p.Leu365Trp (NM_001369803.2, NM_001369804.2, NM_001369805.2); short protein forms L288W, L310W, L365W.
Identifiers: ClinVar variation 1310736 (VCV001310736.2), dbSNP rs2148189860, ClinGen allele CA338881220.